The following is an entry in ClinVar:

ClinVar aggregate classification (germline): Pathogenic (1 of 4 stars; one submission).

Submission:

GeneDx
Classification: Pathogenic. Last evaluated: 2021-12-15. Review status: criteria provided, single submitter. Criteria: GeneDx Variant Classification Process June 2021. Collection method: clinical testing. Allele origin: germline. Affected: yes.
Comment: Identified as a somatic change in aldosterone-producing adenoma tissue, but not present in the germline of these patients (Gagnon et al., 2018; Nanba et al., 2018; Pinggera et al., 2018); Not observed at significant frequency in large population cohorts (gnomAD); In silico analysis supports that this missense variant has a deleterious effect on protein structure/function; This variant is associated with the following publications: (PMID: 23913004, 27098837, 30465465, 29726953, 30698561, 30085035)

NM_001128840.3(CACNA1D):c.776T>A (p.Val259Asp)

Gene: CACNA1D (calcium voltage-gated channel subunit alpha1 D; plus strand). Cytogenetic location: 3p21.1.
Variant type: single nucleotide variant.
Coding change: c.776T>A on transcript NM_001128840.3 (MANE Select); coding-DNA position 776, T replaced by A.
Protein change: p.Val259Asp; replaces valine 259 with aspartic acid.
Molecular consequence: missense variant.
Genome position (GRCh38, 1-based): chr3:53,665,669, T>A. VCF-style: chr3-53665669-T-A. GRCh37 (hg19) VCF-style: chr3-53699696-T-A.
Other names: c.776T>A, p.Val259Asp (NM_000720.4, NM_001128839.3); short protein forms V259D.
Identifiers: ClinVar variation 2580195 (VCV002580195.1), dbSNP rs2473017875, ClinGen allele CA353382955.